The following is an entry in ClinVar:

ClinVar aggregate classification (germline): Pathogenic (1 of 4 stars; one submission).

Conditions:
Hyper-IgM syndrome type 1. Also called: CD40 Ligand Deficiency; Hyper-IgM Immunodeficiency Syndrome, Type 1; X-linked hyper-IgM syndrome; Immunodeficiency, X-linked, with hyper-IgM. Identifiers: Orphanet 101088, MedGen C0398689, MONDO:0010626, OMIM 308230.

Submission:

Labcorp Genetics (formerly Invitae), Labcorp
Classification: Pathogenic for Hyper-IgM syndrome type 1. Last evaluated: 2021-09-28. Review status: criteria provided, single submitter. Criteria: Invitae Variant Classification Sherloc (09022015). Collection method: clinical testing. Allele origin: germline.
Comment: This variant disrupts a region of the CD40LG protein in which other variant(s) (p.Gln232*) have been determined to be pathogenic (PMID: 8550833, 18805740). This suggests that this is a clinically significant region of the protein, and that variants that disrupt it are likely to be disease-causing. This sequence change creates a premature translational stop signal (p.Arg200*) in the CD40LG gene. While this is not anticipated to result in nonsense mediated decay, it is expected to disrupt the last 62 amino acid(s) of the CD40LG protein. This variant is not present in population databases (ExAC no frequency). This premature translational stop signal has been observed in individual(s) with X-linked hyper-IgM syndrome (PMID: 8550833). For these reasons, this variant has been classified as Pathogenic.

Literature cited by the submitters: PubMed 8550833; PubMed 18805740.

NM_000074.3(CD40LG):c.598A>T (p.Arg200Ter)

Gene: CD40LG (CD40 ligand; plus strand). Cytogenetic location: Xq26.3.
Variant type: single nucleotide variant.
Coding change: c.598A>T on transcript NM_000074.3 (MANE Select); coding-DNA position 598, A replaced by T.
Protein change: p.Arg200Ter; replaces arginine 200 with a stop codon.
Molecular consequence: nonsense.
Genome position (GRCh38, 1-based): chrX:136,659,227, A>T. VCF-style: chrX-136659227-A-T. GRCh37 (hg19) VCF-style: chrX-135741386-A-T.
Other names: short protein forms R200*.
Identifiers: ClinVar variation 1413373 (VCV001413373.6), dbSNP rs2148553738, ClinGen allele CA414756012.